The following is an entry in ClinVar:

NM_000035.4(ALDOB):c.128G>A (p.Arg43His)

Gene: ALDOB (aldolase, fructose-bisphosphate B; minus strand). Cytogenetic location: 9q31.1.
Variant type: single nucleotide variant.
Coding change: c.128G>A on transcript NM_000035.4 (MANE Select); coding-DNA position 128, G replaced by A.
Protein change: p.Arg43His; replaces arginine 43 with histidine.
Molecular consequence: missense variant.
Genome position (GRCh38, 1-based): chr9:101,429,951, C>T on the plus strand (G>A on the coding strand, the complement: ALDOB is on the minus strand). VCF-style: chr9-101429951-C-T. GRCh37 (hg19) VCF-style: chr9-104192233-C-T.
Other names: c.128G>A, p.Arg43His (LRG_1244t1); c.128G>A (NM_000035.3); short protein forms R43H.
Identifiers: ClinVar variation 598278 (VCV000598278.7), dbSNP rs780442649, ClinGen allele CA5161718.

ClinVar aggregate classification (germline): Uncertain significance. Review status: criteria provided, multiple submitters, no conflicts (2 of 4 stars). 3 submissions from 3 submitters: Uncertain significance (3). Last evaluated 2025-12-17.

Conditions:
Hereditary fructosuria. Also called: Fructose intolerance; ALDOB DEFICIENCY; ALDOLASE B DEFICIENCY; FRUCTOSE-1,6-BISPHOSPHATE ALDOLASE B DEFICIENCY; FRUCTOSE-1-PHOSPHATE ALDOLASE DEFICIENCY; FRUCTOSEMIA. Identifiers: Orphanet 469, MedGen C0016751, MONDO:0009249, OMIM 229600, HP:0005973. Disease mechanism: loss of function.
ALDOB-related disorder. Also called: ALDOB-related condition.

Allele frequency attached by ClinVar (database versions not stated): gnomAD exomes 0.00004; ExAC 0.00002; gnomAD 0.00003; TOPMed 0.00003.

Submissions (3):

PreventionGenetics, part of Exact Sciences
Classification: Uncertain significance for ALDOB-related condition. Last evaluated: 2025-12-17. Review status: criteria provided, single submitter. Criteria: ACMG Guidelines, 2015. Collection method: clinical testing. Allele origin: germline.
Comment: The ALDOB c.128G>A variant is predicted to result in the amino acid substitution p.Arg43His. To our knowledge, this variant has not been reported in the literature. This variant is reported in 0.0078% of alleles in individuals of European (Non-Finnish) descent in gnomAD. At this time, the clinical significance of this variant is uncertain due to the absence of conclusive functional and genetic evidence.

Fulgent Genetics
Classification: Uncertain significance for Hereditary fructosuria. Last evaluated: 2021-09-16. Review status: criteria provided, single submitter. Criteria: ACMG Guidelines, 2015. Collection method: clinical testing. Allele origin: unknown.

Eurofins Ntd Llc (ga)
Classification: Uncertain significance. Last evaluated: 2018-08-08. Review status: criteria provided, single submitter. Criteria: EGL ClinVar v180209 classification definitions. Collection method: clinical testing. Allele origin: germline. Observed: 1 variant allele, 1 heterozygote.